The following is an entry in ClinVar:

NM_000426.4(LAMA2):c.6436G>A (p.Val2146Ile)

Gene: LAMA2 (laminin subunit alpha 2; plus strand). Cytogenetic location: 6q22.33.
Variant type: single nucleotide variant.
Coding change: c.6436G>A on transcript NM_000426.4 (MANE Select); coding-DNA position 6436, G replaced by A.
Protein change: p.Val2146Ile; replaces valine 2146 with isoleucine.
Molecular consequence: missense variant.
Genome position (GRCh38, 1-based): chr6:129,452,994, G>A. VCF-style: chr6-129452994-G-A. GRCh37 (hg19) VCF-style: chr6-129774139-G-A.
Other names: c.6436G>A, p.Val2146Ile (NM_001079823.2); short protein forms V2146I.
Identifiers: ClinVar variation 1035746 (VCV001035746.6), dbSNP rs1340551316, ClinGen allele CA365616350.

ClinVar aggregate classification (germline): Uncertain significance (1 of 4 stars; one submission).

Conditions:
LAMA2-related muscular dystrophy (LAMA2-RD). Also called: Laminin alpha 2-related dystrophy. Identifiers: MedGen C5679788, MONDO:0100228.

Allele frequency attached by ClinVar (database versions not stated): TOPMed 0.00001; gnomAD exomes 0.00002.
gnomAD v4.1: 4 of 1,612,360 alleles (0.00025%); highest among the groups gnomAD compares: Admixed American, 0.0067%; no homozygotes.

Submission:

Labcorp Genetics (formerly Invitae), Labcorp
Classification: Uncertain significance for LAMA2-related muscular dystrophy. Last evaluated: 2021-08-28. Review status: criteria provided, single submitter. Criteria: Invitae Variant Classification Sherloc (09022015). Collection method: clinical testing. Allele origin: germline.
Comment: This sequence change replaces valine with isoleucine at codon 2146 of the LAMA2 protein (p.Val2146Ile). The valine residue is moderately conserved and there is a small physicochemical difference between valine and isoleucine. This variant is not present in population databases (ExAC no frequency). This variant has not been reported in the literature in individuals affected with LAMA2-related conditions. Algorithms developed to predict the effect of missense changes on protein structure and function are either unavailable or do not agree on the potential impact of this missense change (SIFT: "Tolerated"; PolyPhen-2: "Probably Damaging"; Align-GVGD: "Class C0"). In summary, the available evidence is currently insufficient to determine the role of this variant in disease. Therefore, it has been classified as a Variant of Uncertain Significance.